The following is an entry in ClinVar:

NM_014159.7(SETD2):c.6395G>A (p.Arg2132Gln)

Gene: SETD2 (SET domain containing 2, histone lysine methyltransferase; minus strand). Cytogenetic location: 3p21.31.
Variant type: single nucleotide variant.
Coding change: c.6395G>A on transcript NM_014159.7 (MANE Select); coding-DNA position 6395, G replaced by A.
Protein change: p.Arg2132Gln; replaces arginine 2132 with glutamine.
Molecular consequence: missense variant. On other transcripts: non-coding transcript variant (1).
Genome position (GRCh38, 1-based): chr3:47,057,389, C>T on the plus strand (G>A on the coding strand, the complement: SETD2 is on the minus strand). VCF-style: chr3-47057389-C-T. GRCh37 (hg19) VCF-style: chr3-47098879-C-T.
Other names: c.6263G>A, p.Arg2088Gln (NM_001349370.3); short protein forms R2088Q, R2132Q.
Identifiers: ClinVar variation 3769893 (VCV003769893.2).
Genomic context (GRCh38, chr3:47,057,389, plus strand): 5'-TAGGGCAGTGGTGATGTCATTCCCAGGTTCTGCATCTGTTGCTGTTGTTTCTGAGCCTCC[C>T]GTTGAGCCACCTCTTGCTCAAACAACTTCCGGCGTTCCTCTGTAGAAAGTTTATTGCGGT-3'
Protein context (NP_054878.5, residues 2122-2142): RKLFEQEVAQ[Arg2132Gln]EAQKQQQQMQ

ClinVar aggregate classification (germline): Uncertain significance (1 of 4 stars; one submission).

gnomAD v4.1: 2 of 1,614,182 alleles (0.00012%); highest among the groups gnomAD compares: Non-Finnish European, 0.00017%; no homozygotes.

Submission:

GeneDx
Classification: Uncertain significance. Last evaluated: 2025-04-10. Review status: criteria provided, single submitter. Criteria: GeneDx Variant Classification Process June 2021. Collection method: clinical testing. Allele origin: germline.
Comment: Not observed at significant frequency in large population cohorts (gnomAD); In silico analysis indicates that this missense variant does not alter protein structure/function; Has not been previously published as pathogenic or benign to our knowledge